The following is an entry in ClinVar:

NM_024598.4(USB1):c.683_693+1del

Gene: USB1 (U6 snRNA biogenesis phosphodiesterase 1; plus strand). Cytogenetic location: 16q21.
Variant type: Deletion.
Coding change: c.683_693+1del on transcript NM_024598.4 (MANE Select); coding-DNA position 683 through the canonical splice donor site of the intron after coding-DNA position 693, 12 bases deleted (AGGAACTACAGG).
Molecular consequence: splice donor variant.
Genome position (GRCh38, 1-based): chr16:58,019,045-58,019,056, AGGAACTACAGG deleted. VCF-style (leftmost placement, unchanged base first): chr16-58019044-CAGGAACTACAGG-C. GRCh37 (hg19) VCF-style: chr16-58052948-CAGGAACTACAGG-C.
Other names: USB1, 12-BP DEL, NT683; c.530_540+1del (NM_001330568.2); c.629_639+1del (NM_001195302.2); c.683_693+1del12 (NM_024598.3).
Identifiers: ClinVar variation 202 (VCV000000202.3), dbSNP rs137853972, ClinGen allele CA114043.

ClinVar aggregate classification (germline): Pathogenic. Review status: no assertion criteria provided (0 of 4 stars). 2 submissions from 2 submitters: Pathogenic (1). 1 of the submissions does not count toward it. Last evaluated 2010-01-01.

Conditions:
Poikiloderma with neutropenia (PN). Identifiers: Orphanet 221046, MedGen C1858723, MONDO:0011405, OMIM 604173.

Submissions (2):

OMIM
Classification: Pathogenic for POIKILODERMA WITH NEUTROPENIA. Last evaluated: 2010-01-01. Review status: no assertion criteria provided. Collection method: literature only. Allele origin: germline.

GeneReviews
No classification provided. Condition: Poikiloderma with neutropenia. Review status: no classification provided. Collection method: literature only. Allele origin: germline. Not counted in ClinVar's aggregate classification.
Comment: Apparent frameshift variation identified by transcript analysis as affecting splicing [Volpi et al 2010].

Literature cited by the submitters: PubMed 11737690 (cited by OMIM); PubMed 20004881 (cited by OMIM and GeneReviews); PubMed 29770900 (cited by OMIM); PubMed 29072891 (cited by GeneReviews).